The following is an entry in ClinVar:

ClinVar aggregate classification (germline): Uncertain significance (1 of 4 stars; one submission).

Allele frequency attached by ClinVar (database versions not stated): ExAC 0.00002; gnomAD 0.00011.
gnomAD v4.1: 29 of 1,607,316 alleles (0.0018%); highest among the groups gnomAD compares: African/African-American, 0.035%; no homozygotes.

Submission:

Labcorp Genetics (formerly Invitae), Labcorp
Classification: Uncertain significance. Last evaluated: 2022-08-19. Review status: criteria provided, single submitter. Criteria: Invitae Variant Classification Sherloc (09022015). Collection method: clinical testing. Allele origin: germline.
Comment: This sequence change replaces histidine, which is basic and polar, with leucine, which is neutral and non-polar, at codon 275 of the IL6R protein (p.His275Leu). This variant is present in population databases (rs764993854, gnomAD 0.01%). This variant has not been reported in the literature in individuals affected with IL6R-related conditions. Algorithms developed to predict the effect of missense changes on protein structure and function (SIFT, PolyPhen-2, Align-GVGD) all suggest that this variant is likely to be tolerated. In summary, the available evidence is currently insufficient to determine the role of this variant in disease. Therefore, it has been classified as a Variant of Uncertain Significance.

NM_000565.4(IL6R):c.824A>T (p.His275Leu)

Gene: IL6R (interleukin 6 receptor; plus strand). Cytogenetic location: 1q21.3.
Variant type: single nucleotide variant.
Coding change: c.824A>T on transcript NM_000565.4 (MANE Select); coding-DNA position 824, A replaced by T.
Protein change: p.His275Leu; replaces histidine 275 with leucine.
Molecular consequence: missense variant.
Genome position (GRCh38, 1-based): chr1:154,435,985, A>T. VCF-style: chr1-154435985-A-T. GRCh37 (hg19) VCF-style: chr1-154408461-A-T.
Other names: c.824A>T, p.His275Leu (NM_001206866.2, NM_001382769.1, NM_001382770.1 and 3 more transcripts); c.818A>T, p.His273Leu (NM_001382772.1); c.464A>T, p.His155Leu (NM_001382774.1); short protein forms H273L, H275L, H155L.
Identifiers: ClinVar variation 1964195 (VCV001964195.2), dbSNP rs764993854, ClinGen allele CA1129141.